The following is an entry in ClinVar:

ClinVar aggregate classification (germline): Conflicting classifications of pathogenicity. Review status: criteria provided, conflicting classifications (1 of 4 stars). 6 submissions from 6 submitters: Pathogenic (1); Uncertain significance (3); Likely benign (1). 1 of the submissions does not count toward it. Last evaluated 2025-10-02.

Conditions:
Achromatopsia 2 (ACHM2). Also called: ROD MONOCHROMACY 2; ROD MONOCHROMATISM 2; COLORBLINDNESS, TOTAL. Identifiers: Orphanet 49382, MedGen C1857618, MONDO:0009003, OMIM 216900.
CNGA3-related disorder. Also called: CNGA3-related condition.
Retinal dystrophy. Also called: Inherited retinal dystrophy. Identifiers: HP:0000556, Orphanet 71862, MedGen C0854723, MeSH D058499, MONDO:0019118.

Allele frequency attached by ClinVar (database versions not stated): ExAC 0.00019; gnomAD 0.00031 and 0.00034; TOPMed 0.00040; ESP Exome Variant Server 0.00046; 1000 Genomes Project 0.00060; 1000 Genomes Project 30x 0.00062.
gnomAD v4.1: 310 of 1,614,046 alleles (0.019%); highest among the groups gnomAD compares: African/African-American, 0.081%; no homozygotes.

Submissions (6):

PreventionGenetics, part of Exact Sciences
Classification: Uncertain significance for CNGA3-related condition. Last evaluated: 2025-10-02. Review status: criteria provided, single submitter. Criteria: ACMG Guidelines, 2015. Collection method: clinical testing. Allele origin: germline.
Comment: The CNGA3 c.1343A>G variant is predicted to result in the amino acid substitution p.Lys448Arg. This variant was reported in an individual with CNGA3-related achromatopsia (Solaki et al. 2022. PubMed ID: 35332618). This variant is reported in 0.092% of alleles in individuals of African descent in gnomAD. At this time, the clinical significance of this variant is uncertain due to the absence of conclusive functional and genetic evidence.

Labcorp Genetics (formerly Invitae), Labcorp
Classification: Uncertain significance. Last evaluated: 2024-10-25. Review status: criteria provided, single submitter. Criteria: Invitae Variant Classification Sherloc (09022015). Collection method: clinical testing. Allele origin: germline.
Comment: This sequence change replaces lysine, which is basic and polar, with arginine, which is basic and polar, at codon 448 of the CNGA3 protein (p.Lys448Arg). This variant is present in population databases (rs190014426, gnomAD 0.1%). This missense change has been observed in individual(s) with achromatopsia (PMID: 35332618). ClinVar contains an entry for this variant (Variation ID: 337662). An algorithm developed to predict the effect of missense changes on protein structure and function outputs the following: PolyPhen-2: "Benign". The arginine amino acid residue is found in multiple mammalian species, which suggests that this missense change does not adversely affect protein function. In summary, the available evidence is currently insufficient to determine the role of this variant in disease. Therefore, it has been classified as a Variant of Uncertain Significance.

Blueprint Genetics
Classification: Likely benign. Last evaluated: 2024-09-20. Review status: criteria provided, single submitter. Criteria: ACMG Guidelines, 2015. Collection method: clinical testing. Allele origin: germline.

Institute of Human Genetics, Univ. Regensburg, Univ. Regensburg
Classification: Pathogenic for Retinal dystrophy. Last evaluated: 2023-01-01. Review status: criteria provided, single submitter. Criteria: ACMG Guidelines, 2015. Collection method: clinical testing. Allele origin: germline. Affected: yes.

Illumina Laboratory Services, Illumina
Classification: Uncertain significance for Achromatopsia 2. Last evaluated: 2018-01-13. Review status: criteria provided, single submitter. Criteria: ICSL Variant Classification Criteria 13 December 2019. Collection method: clinical testing. Allele origin: germline.

Molecular Genetics Laboratory, Institute for Ophthalmic Research
Classification: Uncertain significance for Achromatopsia 2. Last evaluated: 2021-04-15. Review status: no assertion criteria provided. Collection method: research. Allele origin: germline. Affected: yes. Not counted in ClinVar's aggregate classification.

Literature cited by the submitters: PubMed 35332618 (cited by Labcorp Genetics (formerly Invitae), Labcorp and Institute of Human Genetics, Univ. Regensburg, Univ. Regensburg).

NM_001298.3(CNGA3):c.1343A>G (p.Lys448Arg)

Gene: CNGA3 (cyclic nucleotide gated channel subunit alpha 3; plus strand). Cytogenetic location: 2q11.2.
Variant type: single nucleotide variant.
Coding change: c.1343A>G on transcript NM_001298.3 (MANE Select); coding-DNA position 1343, A replaced by G.
Protein change: p.Lys448Arg; replaces lysine 448 with arginine.
Molecular consequence: missense variant.
Genome position (GRCh38, 1-based): chr2:98,396,513, A>G. VCF-style: chr2-98396513-A-G. GRCh37 (hg19) VCF-style: chr2-99012976-A-G.
Other names: c.1289A>G, p.Lys430Arg (NM_001079878.2); short protein forms K448R, K430R.
Identifiers: ClinVar variation 337662 (VCV000337662.16), dbSNP rs190014426, ClinGen allele CA1793990.